The following is an entry in ClinVar:

NM_001347721.2(DYRK1A):c.607A>G (p.Lys203Glu)

Gene: DYRK1A (dual specificity tyrosine phosphorylation regulated kinase 1A; plus strand). Cytogenetic location: 21q22.13.
Variant type: single nucleotide variant.
Coding change: c.607A>G on transcript NM_001347721.2 (MANE Select); coding-DNA position 607, A replaced by G.
Protein change: p.Lys203Glu; replaces lysine 203 with glutamic acid.
Molecular consequence: missense variant.
Genome position (GRCh38, 1-based): chr21:37,486,584, A>G. VCF-style: chr21-37486584-A-G. GRCh37 (hg19) VCF-style: chr21-38858886-A-G.
Other names: c.607A>G, p.Lys203Glu (NM_001347722.2, NM_130436.2); c.520A>G, p.Lys174Glu (NM_001347723.2); c.634A>G, p.Lys212Glu (NM_001396.5, NM_101395.2, NM_130438.2); short protein forms K174E, K212E, K203E.
Identifiers: ClinVar variation 3727028 (VCV003727028.2).

ClinVar aggregate classification (germline): Uncertain significance (1 of 4 stars; one submission).

Conditions:
DYRK1A-related intellectual disability syndrome (MRD7). Also called: DYRK1A Syndrome; Intellectual developmental disorder, autosomal dominant 7. Identifiers: Orphanet 464306, MedGen C5568143, MONDO:0013578, OMIM 614104.

Submission:

Labcorp Genetics (formerly Invitae), Labcorp
Classification: Uncertain significance for DYRK1A-related intellectual disability syndrome. Last evaluated: 2024-11-16. Review status: criteria provided, single submitter. Criteria: Invitae Variant Classification Sherloc (09022015). Collection method: clinical testing. Allele origin: germline.
Comment: This sequence change replaces lysine, which is basic and polar, with glutamic acid, which is acidic and polar, at codon 212 of the DYRK1A protein (p.Lys212Glu). This variant is not present in population databases (gnomAD no frequency). This variant has not been reported in the literature in individuals affected with DYRK1A-related conditions. Invitae Evidence Modeling of protein sequence and biophysical properties (such as structural, functional, and spatial information, amino acid conservation, physicochemical variation, residue mobility, and thermodynamic stability) indicates that this missense variant is not expected to disrupt DYRK1A protein function with a negative predictive value of 80%. In summary, the available evidence is currently insufficient to determine the role of this variant in disease. Therefore, it has been classified as a Variant of Uncertain Significance.